The following is an entry in ClinVar:

NM_000051.4(ATM):c.6816A>G (p.Glu2272=)

Genes: C11orf65 (chromosome 11 open reading frame 65; minus strand), ATM (ATM serine/threonine kinase; plus strand). Cytogenetic location: 11q22.3.
Variant type: single nucleotide variant.
Coding change: c.6816A>G on transcript NM_000051.4 (MANE Select); coding-DNA position 6816, A replaced by G.
Protein change: p.Glu2272=; no amino-acid change (glutamic acid 2272 retained).
Molecular consequence: synonymous variant. On other transcripts: intron variant (2).
Genome position (GRCh38, 1-based): chr11:108,326,066, A>G. VCF-style: chr11-108326066-A-G. GRCh37 (hg19) VCF-style: chr11-108196793-A-G.
Other names: c.6816A>G, p.Glu2272= (NM_001351834.2); c.641-16995T>C (NM_001330368.2); c.*38+9154T>C (NM_001351110.2).
Identifiers: ClinVar variation 453643 (VCV000453643.19), dbSNP rs1555119726, ClinGen allele CA476676276.

ClinVar aggregate classification (germline): Benign/Likely benign. Review status: criteria provided, multiple submitters, no conflicts (2 of 4 stars). 5 submissions from 5 submitters: Benign (1); Likely benign (4). Last evaluated 2025-04-28.

Conditions:
Hereditary cancer-predisposing syndrome. Also called: Neoplastic Syndromes, Hereditary; Hereditary Cancer Syndrome; Tumor predisposition; Hereditary neoplastic syndrome. Identifiers: Orphanet 140162, MedGen C0027672, MeSH D009386, MONDO:0015356.
Familial cancer of breast. Also called: Hereditary breast cancer; BREAST CANCER, FAMILIAL; hereditary breast carcinoma. Identifiers: Orphanet 227535, MedGen C0346153, MONDO:0016419, OMIM 114480. Disease mechanism: loss of function.
Ataxia-telangiectasia syndrome (AT). Also called: LOUIS-BAR SYNDROME; Cerebello-oculocutaneous telangiectasia; Immunodeficiency with ataxia telangiectasia; Ataxia-telangiectasia, complementation group D; AT, COMPLEMENTATION GROUP C; Ataxia-telangiectasia, complementation group E. Identifiers: Orphanet 100, MedGen C0004135, MONDO:0008840, OMIM 208900.

Submissions (5):

Labcorp Genetics (formerly Invitae), Labcorp
Classification: Likely benign for Ataxia-telangiectasia syndrome. Last evaluated: 2025-04-28. Review status: criteria provided, single submitter. Criteria: Invitae Variant Classification Sherloc (09022015). Collection method: clinical testing. Allele origin: germline.

Myriad Genetics, Inc.
Classification: Benign for Familial cancer of breast. Last evaluated: 2024-06-12. Review status: criteria provided, single submitter. Criteria: Myriad Autosomal Dominant, Autosomal Recessive and X-Linked Classification Criteria (2023). Collection method: clinical testing. Allele origin: unknown.
Comment: This variant is considered benign. This variant is a silent/synonymous amino acid change and it is not expected to impact splicing.

GeneDx
Classification: Likely benign. Last evaluated: 2021-01-12. Review status: criteria provided, single submitter. Criteria: GeneDx Variant Classification Process June 2021. Collection method: clinical testing. Allele origin: germline. Affected: yes.

Color Diagnostics, LLC DBA Color Health
Classification: Likely benign for Hereditary cancer-predisposing syndrome. Last evaluated: 2018-04-10. Review status: criteria provided, single submitter. Criteria: ACMG Guidelines, 2015. Collection method: clinical testing. Allele origin: germline.

Ambry Genetics
Classification: Likely benign for Hereditary cancer-predisposing syndrome. Last evaluated: 2016-09-20. Review status: criteria provided, single submitter. Criteria: Ambry Variant Classification Scheme 2023. Collection method: clinical testing. Allele origin: germline.